The following is an entry in ClinVar:

NM_001376.5(DYNC1H1):c.5773C>T (p.Arg1925Trp)

Gene: DYNC1H1 (dynein cytoplasmic 1 heavy chain 1; plus strand). Cytogenetic location: 14q32.31.
Variant type: single nucleotide variant.
Coding change: c.5773C>T on transcript NM_001376.5 (MANE Select); coding-DNA position 5773, C replaced by T.
Protein change: p.Arg1925Trp; replaces arginine 1925 with tryptophan.
Molecular consequence: missense variant.
Genome position (GRCh38, 1-based): chr14:102,007,064, C>T. VCF-style: chr14-102007064-C-T. GRCh37 (hg19) VCF-style: chr14-102473401-C-T.
Other names: short protein forms R1925W.
Identifiers: ClinVar variation 1749562 (VCV001749562.5), dbSNP rs745893369, ClinGen allele CA7352477.

ClinVar aggregate classification (germline): Uncertain significance. Review status: criteria provided, multiple submitters, no conflicts (2 of 4 stars). 2 submissions from 2 submitters: Uncertain significance (2). Last evaluated 2023-06-30.

Conditions:
Inborn genetic diseases. Identifiers: MedGen C0950123, MeSH D030342.
Charcot-Marie-Tooth disease axonal type 2O. Also called: Charcot-Marie-Tooth disease, axonal, type 20; CHARCOT-MARIE-TOOTH NEUROPATHY, AXONAL, TYPE 2O; CHARCOT-MARIE-TOOTH DISEASE, AXONAL, AUTOSOMAL DOMINANT, TYPE 2O; Charcot-Marie-Tooth Neuropathy Type 2O. Identifiers: Orphanet 284232, MedGen C3280220, MONDO:0013644, OMIM 614228.

Allele frequency attached by ClinVar (database versions not stated): gnomAD exomes below 0.00001; TOPMed below 0.00001; ExAC 0.00001.
gnomAD v4.1: 3 of 1,614,192 alleles (0.00019%); highest among the groups gnomAD compares: Admixed American, 0.0017%; no homozygotes.

Submissions (2):

Labcorp Genetics (formerly Invitae), Labcorp
Classification: Uncertain significance for Charcot-Marie-Tooth disease axonal type 2O. Last evaluated: 2023-06-30. Review status: criteria provided, single submitter. Criteria: Invitae Variant Classification Sherloc (09022015). Collection method: clinical testing. Allele origin: germline.
Comment: In summary, the available evidence is currently insufficient to determine the role of this variant in disease. Therefore, it has been classified as a Variant of Uncertain Significance. Advanced modeling of protein sequence and biophysical properties (such as structural, functional, and spatial information, amino acid conservation, physicochemical variation, residue mobility, and thermodynamic stability) has been performed at Invitae for this missense variant, however the output from this modeling did not meet the statistical confidence thresholds required to predict the impact of this variant on DYNC1H1 protein function. ClinVar contains an entry for this variant (Variation ID: 1749562). This variant has not been reported in the literature in individuals affected with DYNC1H1-related conditions. This variant is present in population databases (rs745893369, gnomAD 0.003%). This sequence change replaces arginine, which is basic and polar, with tryptophan, which is neutral and slightly polar, at codon 1925 of the DYNC1H1 protein (p.Arg1925Trp).

Ambry Genetics
Classification: Uncertain significance for Inborn genetic diseases. Last evaluated: 2018-02-08. Review status: criteria provided, single submitter. Criteria: Ambry Variant Classification Scheme 2023. Collection method: clinical testing. Allele origin: germline.
Comment: The p.R1925W variant (also known as c.5773C>T), located in coding exon 28 of the DYNC1H1 gene, results from a C to T substitution at nucleotide position 5773. The arginine at codon 1925 is replaced by tryptophan, an amino acid with dissimilar properties. This amino acid position is well conserved in available vertebrate species. In addition, the in silico prediction for this alteration is inconclusive. Since supporting evidence is limited at this time, the clinical significance of this alteration remains unclear.